The following is an entry in ClinVar:

NM_080680.3(COL11A2):c.3898G>A (p.Gly1300Arg)

Gene: COL11A2 (collagen type XI alpha 2 chain; minus strand). Cytogenetic location: 6p21.32.
Variant type: single nucleotide variant.
Coding change: c.3898G>A on transcript NM_080680.3 (MANE Select); coding-DNA position 3898, G replaced by A.
Protein change: p.Gly1300Arg; replaces glycine 1300 with arginine.
Molecular consequence: missense variant.
Genome position (GRCh38, 1-based): chr6:33,168,714, C>T on the plus strand (G>A on the coding strand, the complement: COL11A2 is on the minus strand). VCF-style: chr6-33168714-C-T. GRCh37 (hg19) VCF-style: chr6-33136491-C-T.
Other names: c.3577G>A, p.Gly1193Arg (NM_080679.3); c.3640G>A, p.Gly1214Arg (NM_080681.3); short protein forms G1193R, G1214R, G1300R.
Identifiers: ClinVar variation 1309438 (VCV001309438.2), dbSNP rs2150531422, ClinGen allele CA363624911.

ClinVar aggregate classification (germline): Uncertain significance (1 of 4 stars; one submission).

gnomAD v4.1: 2 of 1,593,082 alleles (0.00013%); highest among the groups gnomAD compares: African/African-American, 0.0013%; no homozygotes.

Submission:

GeneDx
Classification: Uncertain significance. Last evaluated: 2019-10-16. Review status: criteria provided, single submitter. Criteria: GeneDx Variant Classification Process June 2021. Collection method: clinical testing. Allele origin: germline. Affected: yes.
Comment: Has not been previously published as pathogenic or benign to our knowledge; In silico analysis, which includes protein predictors and evolutionary conservation, supports a deleterious effect; Not observed in large population cohorts (Lek et al., 2016)